The following is an entry in ClinVar:

ClinVar aggregate classification (germline): Benign/Likely benign. Review status: criteria provided, multiple submitters, no conflicts (2 of 4 stars). 3 submissions from 3 submitters: Benign (1); Likely benign (2). Last evaluated 2025-10-13.

Conditions:
Hereditary diffuse gastric adenocarcinoma (HDGC). Also called: DIFFUSE GASTRIC AND LOBULAR BREAST CANCER SYNDROME. Identifiers: Orphanet 26106, MedGen C1708349, MONDO:0007648, OMIM 137215.
Hereditary cancer-predisposing syndrome. Also called: Neoplastic Syndromes, Hereditary; Tumor predisposition; Hereditary Cancer Syndrome; Hereditary neoplastic syndrome. Identifiers: Orphanet 140162, MedGen C0027672, MeSH D009386, MONDO:0015356.

Allele frequency attached by ClinVar (database versions not stated): gnomAD 0.00001.

Submissions (3):

Ambry Genetics
Classification: Likely benign for Hereditary cancer-predisposing syndrome. Last evaluated: 2025-10-13. Review status: criteria provided, single submitter. Criteria: Ambry Variant Classification Scheme 2023. Collection method: clinical testing. Allele origin: germline.

Myriad Genetics, Inc.
Classification: Benign for Hereditary diffuse gastric adenocarcinoma. Last evaluated: 2024-10-09. Review status: criteria provided, single submitter. Criteria: Myriad Autosomal Dominant, Autosomal Recessive and X-Linked Classification Criteria (2023). Collection method: clinical testing. Allele origin: unknown.
Comment: This variant is considered benign. This variant is a silent/synonymous amino acid change and it is not expected to impact splicing.

Labcorp Genetics (formerly Invitae), Labcorp
Classification: Likely benign. Last evaluated: 2021-06-18. Review status: criteria provided, single submitter. Criteria: Invitae Variant Classification Sherloc (09022015). Collection method: clinical testing. Allele origin: germline.

NM_001903.5(CTNNA1):c.460C>T (p.Leu154=)

Gene: CTNNA1 (catenin alpha 1; plus strand). Cytogenetic location: 5q31.2.
Variant type: single nucleotide variant.
Coding change: c.460C>T on transcript NM_001903.5 (MANE Select); coding-DNA position 460, C replaced by T.
Protein change: p.Leu154=; no amino-acid change (leucine 154 retained).
Molecular consequence: synonymous variant.
Genome position (GRCh38, 1-based): chr5:138,810,196, C>T. VCF-style: chr5-138810196-C-T. GRCh37 (hg19) VCF-style: chr5-138145885-C-T.
Other names: c.460C>T (NM_001903.2); c.460C>T, p.Leu154= (NM_001290307.3, NM_001323982.2, NM_001323983.1 and 3 more transcripts); c.151C>T, p.Leu51= (NM_001290309.3); c.91C>T, p.Leu31= (NM_001290310.3).
Identifiers: ClinVar variation 1567064 (VCV001567064.10), dbSNP rs1758533159, ClinGen allele CA446591141.
Genomic context (GRCh38, chr5:138,810,196, plus strand): 5'-GCTGTTACCCGGTTGCTGATTTTGGCTGACATGGCAGATGTCTACAAATTACTTGTTCAG[C>T]TGAAAGTTGTAAGTATACAGGCCTATGTCTGTAATTTGTTCTATCACAGGAAGATTGCTA-3'
Protein context (NP_001894.2, residues 144-164): MADVYKLLVQ[Leu154=]KVVEDGILKL